The following is an entry in ClinVar:

NM_000047.3(ARSL):c.311T>C (p.Met104Thr)

Gene: ARSL (arylsulfatase L; minus strand). Cytogenetic location: Xp22.33.
Variant type: single nucleotide variant.
Coding change: c.311T>C on transcript NM_000047.3 (MANE Select); coding-DNA position 311, T replaced by C.
Protein change: p.Met104Thr; replaces methionine 104 with threonine.
Molecular consequence: missense variant.
Genome position (GRCh38, 1-based): chrX:2,953,262, A>G on the plus strand (T>C on the coding strand, the complement: ARSL is on the minus strand). VCF-style: chrX-2953262-A-G. GRCh37 (hg19) VCF-style: chrX-2871303-A-G.
Other names: c.386T>C, p.Met129Thr (NM_001282628.2, NM_001369080.1); c.149T>C, p.Met50Thr (NM_001282631.2, NM_001440750.1); c.338T>C, p.Met113Thr (NM_001369079.1); c.311T>C, p.Met104Thr (NM_001440751.1); c.311T>C (NM_000047.2); short protein forms M104T, M113T, M129T, M50T.
Identifiers: ClinVar variation 4888345 (VCV004888345.1).

ClinVar aggregate classification (germline): Likely pathogenic (1 of 4 stars; one submission).

Conditions:
X-linked chondrodysplasia punctata 1 (CDPX1). Also called: Chondrodysplasia punctata, X-linked recessive; CHONDRODYSPLASIA PUNCTATA, BRACHYTELEPHALANGIC. Identifiers: Orphanet 79345, MedGen C3669395, MONDO:0010555, OMIM 302950.

Submission:

New York Genome Center
Classification: Likely pathogenic for X-linked chondrodysplasia punctata 1. Last evaluated: 2023-02-28. Review status: criteria provided, single submitter. Criteria: NYGC Assertion Criteria 2020. Collection method: clinical testing. Allele origin: germline. Affected: yes. Observed: 1 variant allele, 1 heterozygote.
Comment: The c.311T>C variant in ARSL has not previously been reported in the literature or public variant repositories (ClinVar and LOVD). The c.311T>C variant is observed in 2alleles (1 hemizygous and 1 heterozygous) in population databases (gnomAD v2.1.1 and v3.1.2, TOPMed Freeze 8, All of Us), suggesting it is not a common benign variant in the populations represented in those databases. The c.311T>C variant in ARSL is located in exon 5 of this 11-exon gene and is predicted to replace an evolutionarily conserved methionine amino acid with threonine at position 104 in the sulfatase domain of the encoded protein. In addition, the c.311T>C variant islocated three nucleotides away from the exon-intron junction of exon 5. In silico predictions are in favor of damaging effect for p.(Met104Thr) effect [(CADD v1.6 = 23.1,REVEL = 0.89)]. Variants nearby p.(Met104) residue within the sulfatase domain have been reported in the literature [PMID: 23401300, 9497243, 7720070] in individuals associated with ARSL-related disorders syndrome. Based on available evidence this c.311T>C p.(Met104Thr) variant identified in ARSL is classified as Likely Pathogenic.